The following is an entry in ClinVar:

ClinVar aggregate classification (germline): Uncertain significance. Review status: criteria provided, multiple submitters, no conflicts (2 of 4 stars). 2 submissions from 2 submitters: Uncertain significance (2). Last evaluated 2023-04-24.

Conditions:
Frontotemporal dementia (FTD1). Also called: Frontotemporal lobe dementia (FLDEM); WILHELMSEN-LYNCH DISEASE; MULTIPLE SYSTEM TAUOPATHY WITH PRESENILE DEMENTIA; FRONTOTEMPORAL DEMENTIA WITH PARKINSONISM; FRONTOTEMPORAL LOBE DEMENTIA; FRONTOTEMPORAL LOBAR DEGENERATION WITH TAU INCLUSIONS. Identifiers: Orphanet 282, MedGen C0338451, MONDO:0017276, OMIM 600274, HP:0002145.

Allele frequency attached by ClinVar (database versions not stated): gnomAD 0.00001; ESP Exome Variant Server 0.00008; 1000 Genomes Project 30x 0.00016; 1000 Genomes Project 0.00020.
gnomAD v4.1: 43 of 1,610,812 alleles (0.0027%); highest among the groups gnomAD compares: East Asian, 0.0045%; no homozygotes.

Submissions (2):

GeneDx
Classification: Uncertain significance. Last evaluated: 2023-04-24. Review status: criteria provided, single submitter. Criteria: GeneDx Variant Classification Process June 2021. Collection method: clinical testing. Allele origin: germline. Affected: yes.
Comment: In silico analysis supports that this missense variant does not alter protein structure/function; Has been previously been reported in individuals with a neurodegenerative condition; however additional clinical information was not provided in all cases (Sun et al., 2021; Steele et al., 2018); This variant is associated with the following publications: (PMID: 31031559, 34720994)

Labcorp Genetics (formerly Invitae), Labcorp
Classification: Uncertain significance for Frontotemporal dementia. Last evaluated: 2021-09-17. Review status: criteria provided, single submitter. Criteria: Invitae Variant Classification Sherloc (09022015). Collection method: clinical testing. Allele origin: germline.

NM_001377265.1(MAPT):c.1918G>A (p.Val640Met)

Gene: MAPT (microtubule associated protein tau). Cytogenetic location: 17q21.31.
Variant type: single nucleotide variant.
Coding change: c.1918G>A on transcript NM_001377265.1 (MANE Select); coding-DNA position 1918, G replaced by A.
Protein change: p.Val640Met; replaces valine 640 with methionine.
Molecular consequence: missense variant. On other transcripts: non-coding transcript variant (1).
Genome position (GRCh38, 1-based): chr17:45,996,584, G>A. VCF-style: chr17-45996584-G-A. GRCh37 (hg19) VCF-style: chr17-44073950-G-A.
Other names: c.742G>A (NM_005910.5); c.1747G>A, p.Val583Met (NM_001123066.4); c.655G>A, p.Val219Met (NM_001123067.4, NM_001203251.2, NM_001377267.1); c.742G>A, p.Val248Met (NM_001203252.2, NM_005910.6); c.1720G>A, p.Val574Met (NM_001377266.1); c.568G>A, p.Val190Met (NM_001377268.1, NM_016834.5, NM_016841.5); c.1693G>A, p.Val565Met (NM_016835.5); short protein forms V190M, V219M, V248M, V565M, V574M, V583M, V640M.
Identifiers: ClinVar variation 1490244 (VCV001490244.4), dbSNP rs369217369, ClinGen allele CA8618057.